The following is an entry in ClinVar:

ClinVar aggregate classification (germline): Uncertain significance (1 of 4 stars; one submission).

gnomAD v4.1: 3 of 1,551,514 alleles (0.00019%); highest among the groups gnomAD compares: Middle Eastern, 0.033%; no homozygotes.

Submission:

GeneDx
Classification: Uncertain significance. Last evaluated: 2026-04-01. Review status: criteria provided, single submitter. Criteria: GeneDx Variant Classification Process June 2021. Collection method: clinical testing. Allele origin: germline.
Comment: Not observed at significant frequency in large population cohorts (gnomAD); In silico analysis supports that this missense variant has a deleterious effect on protein structure/function; Has not been previously published as pathogenic or benign to our knowledge

NM_001286445.3(RIPOR2):c.2786T>C (p.Leu929Ser)

Gene: RIPOR2 (RHO family interacting cell polarization regulator 2; minus strand). Cytogenetic location: 6p22.3.
Variant type: single nucleotide variant.
Coding change: c.2786T>C on transcript NM_001286445.3 (MANE Select); coding-DNA position 2786, T replaced by C.
Protein change: p.Leu929Ser; replaces leucine 929 with serine.
Molecular consequence: missense variant.
Genome position (GRCh38, 1-based): chr6:24,825,308, A>G on the plus strand (T>C on the coding strand, the complement: RIPOR2 is on the minus strand). VCF-style: chr6-24825308-A-G. GRCh37 (hg19) VCF-style: chr6-24825536-A-G.
Other names: c.2699T>C, p.Leu900Ser (NM_001346031.2, NM_001346032.2); c.2849T>C, p.Leu950Ser (NM_014722.5); short protein forms L900S, L929S, L950S.
Identifiers: ClinVar variation 5017193 (VCV005017193.1).
Genomic context (GRCh38, chr6:24,825,308, plus strand): 5'-TTGGAGGCTGCTGCCAAGTAAAGCGTCACAGCCTCACTAACTTCGTTGTCCTCTCTGGTT[A>G]ATAGCAGAGCCAGAGTCCTGAGTACTTCCTGCTGGGCCAGGAGGTTGCTGGGAGCAAGGT-3'
Protein context (NP_001273374.1, residues 919-939): QEVLRTLALL[Leu929Ser]TREDNEVSEA